The following is an entry in ClinVar:

ClinVar aggregate classification (germline): Uncertain significance (1 of 4 stars; one submission).

Conditions:
Fabry disease. Also called: Fabry's disease; ALPHA-GALACTOSIDASE A DEFICIENCY; ANDERSON-FABRY DISEASE; CERAMIDE TRIHEXOSIDASE DEFICIENCY; GLA DEFICIENCY; HEREDITARY DYSTOPIC LIPIDOSIS. Identifiers: Orphanet 324, MedGen C0002986, MONDO:0010526, OMIM 301500, HP:0001071. Disease mechanism: Fabry disease is due to inactivating mutations in the X-linked GLA gene resulting in deficiency of the enzyme Alpha Galactosidase-A., loss of function.

Submission:

Genomenon, Inc
Classification: Uncertain significance for Fabry disease. Last evaluated: 2026-09-08. Review status: criteria provided, single submitter. Criteria: Genomenon Sequence Variant Interpretation Standards - Updated. Collection method: curation. Allele origin: germline. Affected: no.
Comment: GLA p.Gly85Met (c.253_255delinsATG) is a deletion-insertion variant that changes the amino acid at codon 85 from Glycine to Methionine. This variant has been reported in the published literature (PMID:31036492;27657681). This variant is located in a mutational hotspot and/or important functional domain. It is absent or not present at a significant frequency in gnomAD. In conclusion, we classify GLA p.Gly85Met (c.253_255delinsATG) as a variant of uncertain significance.

Literature cited by the submitters: PubMed 31036492; PubMed 27657681.

NM_000169.3(GLA):c.253_255delinsATG (p.Gly85Met)

Genes: GLA (galactosidase alpha; minus strand), RPL36A-HNRNPH2 (RPL36A-HNRNPH2 readthrough; plus strand). Cytogenetic location: Xq22.1.
Variant type: Indel.
Coding change: c.253_255delinsATG on transcript NM_000169.3 (MANE Select); coding-DNA positions 253 to 255, GGT replaced by ATG.
Protein change: p.Gly85Met; replaces glycine 85 with methionine.
Molecular consequence: missense variant. On other transcripts: non-coding transcript variant (3), intron variant (2).
Genome position (GRCh38, 1-based): chrX:101,403,925-101,403,927, ACC replaced by CAT on the plus strand (GGT replaced by ATG on the coding strand, the reverse complement: GLA is on the minus strand). VCF-style: chrX-101403925-ACC-CAT. GRCh37 (hg19) VCF-style: chrX-100658913-ACC-CAT.
Other names: c.376_378delinsATG, p.Gly126Met (NM_001406747.1, NM_001406749.1); c.253_255delinsATG, p.Gly85Met (NM_001406748.1); c.301-8011_301-8009delinsCAT (NM_001199973.2); c.178-8011_178-8009delinsCAT (NM_001199974.2); short protein forms G126M, G85M.
Identifiers: ClinVar variation 4974851 (VCV004974851.1).